The following is an entry in ClinVar:

ClinVar aggregate classification (germline): Benign. Review status: criteria provided, multiple submitters, no conflicts (2 of 4 stars). 3 submissions from 2 submitters: Benign (3). Last evaluated 2018-01-13.

Conditions:
Bardet-Biedl syndrome 6 (BBS6). Identifiers: Orphanet 110, MedGen C1858054, MONDO:0011523, OMIM 605231.
McKusick-Kaufman syndrome (MKKS). Also called: HYDROMETROCOLPOS SYNDROME; HYDROMETROCOLPOS, POSTAXIAL POLYDACTYLY, AND CONGENITAL HEART MALFORMATION. Identifiers: Orphanet 2473, MedGen C0948368, MONDO:0009367, OMIM 236700.

Allele frequency attached by ClinVar (database versions not stated): gnomAD exomes 0.11961; gnomAD 0.14121 and 0.14543; TOPMed 0.14455; 1000 Genomes Project 30x 0.19082; 1000 Genomes Project 0.19309.
gnomAD v4.1: 23,195 of 162,214 alleles (14%); highest among the groups gnomAD compares: East Asian, 24%; 1,866 homozygotes.

Submissions (3):

Illumina Laboratory Services, Illumina
Classification: Benign for McKusick-Kaufman syndrome. Last evaluated: 2018-01-13. Review status: criteria provided, single submitter. Criteria: ICSL Variant Classification Criteria 13 December 2019. Collection method: clinical testing. Allele origin: germline.
Comment: This variant was observed in the ICSL laboratory as part of a predisposition screen in an ostensibly healthy population. It had not been previously curated by ICSL or reported in the Human Gene Mutation Database (HGMD: prior to June 1st, 2018), and was therefore a candidate for classification through an automated scoring system. Utilizing variant allele frequency, disease prevalence and penetrance estimates, and inheritance mode, an automated score was calculated to assess if this variant is too frequent to cause the disease. Based on the score and internal cut-off values, a variant classified as benign is not then subjected to further curation. The score for this variant resulted in a classification of benign for this disease.

Illumina Laboratory Services, Illumina
Classification: Benign for Bardet-Biedl syndrome 6. Last evaluated: 2018-01-13. Review status: criteria provided, single submitter. Criteria: ICSL Variant Classification Criteria 13 December 2019. Collection method: clinical testing. Allele origin: germline.
Comment: the same text as in the submission from Illumina Laboratory Services, Illumina above.

Breakthrough Genomics
Classification: Benign. Review status: criteria provided, single submitter. Criteria: ACMG Guidelines, 2015. Collection method: not provided. Allele origin: germline. Inheritance: Autosomal recessive inheritance. Affected: yes.

NM_170784.3(MKKS):c.*392T>C

Gene: MKKS (MKKS centrosomal shuttling protein; minus strand). Cytogenetic location: 20p12.2.
Variant type: single nucleotide variant.
Coding change: c.*392T>C on transcript NM_170784.3 (MANE Select); 392 bases downstream of the stop codon, T replaced by C.
Molecular consequence: 3 prime UTR variant. On other transcripts: non-coding transcript variant (1).
Genome position (GRCh38, 1-based): chr20:10,404,855, A>G on the plus strand (T>C on the coding strand, the complement: MKKS is on the minus strand). VCF-style: chr20-10404855-A-G. GRCh37 (hg19) VCF-style: chr20-10385503-A-G.
Other names: c.*392T>C (NM_018848.3).
Identifiers: ClinVar variation 337686 (VCV000337686.6), dbSNP rs2294901, ClinGen allele CA10649326.